The following is an entry in ClinVar:

ClinVar aggregate classification (germline): Uncertain significance (1 of 4 stars; one submission).

Conditions:
Pancreatic adenocarcinoma. Identifiers: MedGen C0281361, MONDO:0006047, HP:0006725.

Allele frequency attached by ClinVar (database versions not stated): gnomAD 0.00001.
gnomAD v4.1: 1 of 1,611,242 alleles (0.000062%); highest among the groups gnomAD compares: Non-Finnish European, 0.000085%; no homozygotes.

Submission:

Labcorp Genetics (formerly Invitae), Labcorp
Classification: Uncertain significance for Pancreatic adenocarcinoma. Last evaluated: 2022-01-06. Review status: criteria provided, single submitter. Criteria: Invitae Variant Classification Sherloc (09022015). Collection method: clinical testing. Allele origin: germline.
Comment: This sequence change falls in intron 7 of the PALLD gene. It does not directly change the encoded amino acid sequence of the PALLD protein. It affects a nucleotide within the consensus splice site. In summary, the available evidence is currently insufficient to determine the role of this variant in disease. Therefore, it has been classified as a Variant of Uncertain Significance. Variants that disrupt the consensus splice site are a relatively common cause of aberrant splicing (PMID: 17576681, 9536098). Algorithms developed to predict the effect of sequence changes on RNA splicing suggest that this variant may create or strengthen a splice site. This variant has not been reported in the literature in individuals affected with PALLD-related conditions. This variant is present in population databases (no rsID available, gnomAD 0.007%).

Literature cited by the submitters: PubMed 17576681; PubMed 9536098.

NM_001166108.2(PALLD):c.2718-3A>C

Genes: CBR4 (carbonyl reductase 4; minus strand), PALLD (palladin, cytoskeletal associated protein; plus strand). Cytogenetic location: 4q32.3.
Variant type: single nucleotide variant.
Coding change: c.2718-3A>C on transcript NM_001166108.2 (MANE Select); 3 bases into the intron before coding-DNA position 2718, A replaced by C.
Molecular consequence: intron variant.
Genome position (GRCh38, 1-based): chr4:168,915,892, A>C. VCF-style: chr4-168915892-A-C. GRCh37 (hg19) VCF-style: chr4-169837043-A-C.
Other names: c.597-3A>C (NM_001367570.1, NM_001367568.1); c.546-3A>C (NM_001367567.1, NM_001367569.1); c.2667-3A>C (NM_016081.4); c.1521-3A>C (NM_001166109.2); c.1206-3A>C (NM_001166110.2).
Identifiers: ClinVar variation 2076051 (VCV002076051.4), dbSNP rs1418527331, ClinGen allele CA555999562.
Genomic context (GRCh38, chr4:168,915,892, plus strand): 5'-CTAAAAGTCTGGAAGTAACTACTATCTATATTTCTATCTATCTGTCATCTTTCTTGTTTC[A>C]AGGCCTCGTTCTAGATCAAGGGACAGTGGAGACGAAAATGAACCAATTCAGGAGCGATTC-3'